The following is an entry in ClinVar:

NM_006031.6(PCNT):c.3118A>G (p.Thr1040Ala)

Gene: PCNT (pericentrin; plus strand). Cytogenetic location: 21q22.3.
Variant type: single nucleotide variant.
Coding change: c.3118A>G on transcript NM_006031.6 (MANE Select); coding-DNA position 3118, A replaced by G.
Protein change: p.Thr1040Ala; replaces threonine 1040 with alanine.
Molecular consequence: missense variant.
Genome position (GRCh38, 1-based): chr21:46,367,092, A>G. VCF-style: chr21-46367092-A-G. GRCh37 (hg19) VCF-style: chr21-47787007-A-G.
Other names: c.2764A>G, p.Thr922Ala (NM_001315529.2); short protein forms T1040A, T922A.
Identifiers: ClinVar variation 2176329 (VCV002176329.1), dbSNP rs574301679, ClinGen allele CA322006005.

ClinVar aggregate classification (germline): Uncertain significance (1 of 4 stars; one submission).

Allele frequency attached by ClinVar (database versions not stated): gnomAD exomes below 0.00001; gnomAD 0.00001; TOPMed 0.00001.
gnomAD v4.1: 6 of 1,613,540 alleles (0.00037%); highest among the groups gnomAD compares: East Asian, 0.0045%; no homozygotes.

Submission:

Labcorp Genetics (formerly Invitae), Labcorp
Classification: Uncertain significance. Last evaluated: 2021-12-13. Review status: criteria provided, single submitter. Criteria: Invitae Variant Classification Sherloc (09022015). Collection method: clinical testing. Allele origin: germline.
Comment: This sequence change replaces threonine, which is neutral and polar, with alanine, which is neutral and non-polar, at codon 1040 of the PCNT protein (p.Thr1040Ala). This variant is present in population databases (rs574301679, gnomAD 0.02%). This variant has not been reported in the literature in individuals affected with PCNT-related conditions. Algorithms developed to predict the effect of missense changes on protein structure and function output the following: SIFT: "Tolerated"; PolyPhen-2: "Benign"; Align-GVGD: "Class C0". The alanine amino acid residue is found in multiple mammalian species, which suggests that this missense change does not adversely affect protein function. In summary, the available evidence is currently insufficient to determine the role of this variant in disease. Therefore, it has been classified as a Variant of Uncertain Significance.